The following is an entry in ClinVar:

NM_032638.5(GATA2):c.91C>T (p.His31Tyr)

Gene: GATA2 (GATA binding protein 2; minus strand). Cytogenetic location: 3q21.3.
Variant type: single nucleotide variant.
Coding change: c.91C>T on transcript NM_032638.5 (MANE Select); coding-DNA position 91, C replaced by T.
Protein change: p.His31Tyr; replaces histidine 31 with tyrosine.
Molecular consequence: missense variant.
Genome position (GRCh38, 1-based): chr3:128,486,941, G>A on the plus strand (C>T on the coding strand, the complement: GATA2 is on the minus strand). VCF-style: chr3-128486941-G-A. GRCh37 (hg19) VCF-style: chr3-128205784-G-A.
Other names: c.91C>T, p.His31Tyr (NM_001145661.2, NM_001145662.1); c.91C>T (NM_032638.4); short protein forms H31Y.
Identifiers: ClinVar variation 1508925 (VCV001508925.9), dbSNP rs2107673607, ClinGen allele CA354408938.

ClinVar aggregate classification (germline): Uncertain significance. Review status: criteria provided, multiple submitters, no conflicts (2 of 4 stars). 2 submissions from 2 submitters: Uncertain significance (2). Last evaluated 2025-02-21.

Conditions:
Inborn genetic diseases. Identifiers: MedGen C0950123, MeSH D030342.
Deafness-lymphedema-leukemia syndrome. Also called: Emberger syndrome; Lymphedema, primary, with myelodysplasia. Identifiers: Orphanet 3226, MedGen C3279664, MONDO:0013540, OMIM 614038.
Monocytopenia with susceptibility to infections. Also called: MONOCYTOPENIA AND MYCOBACTERIAL INFECTION SYNDROME; MONOCYTOPENIA WITH SUSCEPTIBILITY TO MYCOBACTERIAL, FUNGAL, AND PAPILLOMAVIRUS INFECTIONS AND MYELODYSPLASIA; COMBINED IMMUNODEFICIENCY WITH SUSCEPTIBILITY TO MYCOBACTERIAL, VIRAL, AND FUNGAL INFECTIONS; Dendritic cell, monocyte, B lymphocyte, and natural killer lymphocyte deficiency; IMMUNODEFICIENCY 21; GATA2 DEFICIENCY. Identifiers: Orphanet 228423, MedGen C3280030, MONDO:0013607, OMIM 614172.

Submissions (2):

Ambry Genetics
Classification: Uncertain significance for Inborn genetic diseases. Last evaluated: 2025-02-21. Review status: criteria provided, single submitter. Criteria: Ambry Variant Classification Scheme 2023. Collection method: clinical testing. Allele origin: germline.
Comment: The p.H31Y variant (also known as c.91C>T), located in coding exon 1 of the GATA2 gene, results from a C to T substitution at nucleotide position 91. The histidine at codon 31 is replaced by tyrosine, an amino acid with similar properties. This amino acid position is conserved. In addition, this alteration is predicted to be deleterious by in silico analysis. Based on the available evidence, the clinical significance of this variant remains unclear.

Labcorp Genetics (formerly Invitae), Labcorp
Classification: Uncertain significance for Monocytopenia with susceptibility to infections; Deafness-lymphedema-leukemia syndrome. Last evaluated: 2021-02-11. Review status: criteria provided, single submitter. Criteria: Invitae Variant Classification Sherloc (09022015). Collection method: clinical testing. Allele origin: germline.
Comment: This sequence change replaces histidine with tyrosine at codon 31 of the GATA2 protein (p.His31Tyr). The histidine residue is moderately conserved and there is a moderate physicochemical difference between histidine and tyrosine. In summary, the available evidence is currently insufficient to determine the role of this variant in disease. Therefore, it has been classified as a Variant of Uncertain Significance. Algorithms developed to predict the effect of missense changes on protein structure and function are either unavailable or do not agree on the potential impact of this missense change (SIFT: "Tolerated"; PolyPhen-2: "Possibly Damaging"; Align-GVGD: "Class C0"). This variant has not been reported in the literature in individuals with GATA2-related conditions. This variant is not present in population databases (ExAC no frequency).